The following is an entry in ClinVar:

ClinVar aggregate classification (germline): Conflicting classifications of pathogenicity. Review status: criteria provided, conflicting classifications (1 of 4 stars). 2 submissions from 2 submitters: Uncertain significance (1); Likely benign (1). Last evaluated 2024-07-19.

Conditions:
Hereditary cancer-predisposing syndrome. Also called: Hereditary neoplastic syndrome; Hereditary Cancer Syndrome; Tumor predisposition; Neoplastic Syndromes, Hereditary. Identifiers: Orphanet 140162, MedGen C0027672, MeSH D009386, MONDO:0015356.
Hereditary breast ovarian cancer syndrome. Also called: BRCA1- and BRCA2-Associated Hereditary Breast and Ovarian Cancer; Hereditary breast and ovarian cancer syndrome (HBOC); Hereditary breast and/or ovarian cancer syndrome; Hereditary breast and ovarian cancer; Breast and ovarian cancer; Hereditary breast and ovarian cancer syndrome. Identifiers: Orphanet 145, MedGen C0677776, MeSH D061325, MONDO:0003582. Disease mechanism: loss of function.

Submissions (2):

Labcorp Genetics (formerly Invitae), Labcorp
Classification: Uncertain significance for Hereditary breast ovarian cancer syndrome. Last evaluated: 2024-07-19. Review status: criteria provided, single submitter. Criteria: Invitae Variant Classification Sherloc (09022015). Collection method: clinical testing. Allele origin: germline.
Comment: This sequence change replaces asparagine, which is neutral and polar, with serine, which is neutral and polar, at codon 444 of the BRCA2 protein (p.Asn444Ser). This variant is not present in population databases (gnomAD no frequency). This variant has not been reported in the literature in individuals affected with BRCA2-related conditions. ClinVar contains an entry for this variant (Variation ID: 2002971). Advanced modeling of protein sequence and biophysical properties (such as structural, functional, and spatial information, amino acid conservation, physicochemical variation, residue mobility, and thermodynamic stability) performed at Invitae indicates that this missense variant is not expected to disrupt BRCA2 protein function with a negative predictive value of 95%. In summary, the available evidence is currently insufficient to determine the role of this variant in disease. Therefore, it has been classified as a Variant of Uncertain Significance.

University of Washington Department of Laboratory Medicine, University of Washington
Classification: Likely benign for Hereditary cancer-predisposing syndrome. Last evaluated: 2023-03-23. Review status: criteria provided, single submitter. Criteria: Dines et al. (Genet Med. 2020). Collection method: curation. Allele origin: germline.
Comment: Missense variant in a coldspot region where missense variants are very unlikely to be pathogenic (PMID:31911673).

BRCA2 exon 10 coldspot. Reclassification based on statistical prior probability.

NM_000059.4(BRCA2):c.1331A>G (p.Asn444Ser)

Gene: BRCA2 (BRCA2 DNA repair associated; plus strand). Cytogenetic location: 13q13.1.
Variant type: single nucleotide variant.
Coding change: c.1331A>G on transcript NM_000059.4 (MANE Select); coding-DNA position 1331, A replaced by G.
Protein change: p.Asn444Ser; replaces asparagine 444 with serine.
Molecular consequence: missense variant.
Genome position (GRCh38, 1-based): chr13:32,332,809, A>G. VCF-style: chr13-32332809-A-G. GRCh37 (hg19) VCF-style: chr13-32906946-A-G.
Other names: c.1331A>G, p.Asn444Ser (NM_001406719.1, NM_001406720.1, NM_001406721.1); short protein forms N444S.
Identifiers: ClinVar variation 2002971 (VCV002002971.6), dbSNP rs2072409915, ClinGen allele CA387762682.